The following is an entry in ClinVar:

ClinVar aggregate classification (germline): Likely benign (0 of 4 stars; one submission).

Conditions:
SBF1-related disorder. Also called: SBF1-related condition.

Allele frequency attached by ClinVar (database versions not stated): ExAC 0.00001; gnomAD exomes 0.00001; TOPMed 0.00001.
gnomAD v4.1: 16 of 1,612,488 alleles (0.00099%); highest among the groups gnomAD compares: Non-Finnish European, 0.0013%; no homozygotes.

Submission:

PreventionGenetics, part of Exact Sciences
Classification: Likely benign for SBF1-related condition. Last evaluated: 2019-08-03. Review status: no assertion criteria provided. Collection method: clinical testing. Allele origin: germline.
Comment: This variant is classified as likely benign based on ACMG/AMP sequence variant interpretation guidelines (Richards et al. 2015 PMID: 25741868, with internal and published modifications).

NM_002972.4(SBF1):c.2016G>A (p.Glu672=)

Gene: SBF1 (SET binding factor 1; minus strand). Cytogenetic location: 22q13.33.
Variant type: single nucleotide variant.
Coding change: c.2016G>A on transcript NM_002972.4 (MANE Select); coding-DNA position 2016, G replaced by A.
Protein change: p.Glu672=; no amino-acid change (glutamic acid 672 retained).
Molecular consequence: synonymous variant.
Genome position (GRCh38, 1-based): chr22:50,462,670, C>T on the plus strand (G>A on the coding strand, the complement: SBF1 is on the minus strand). VCF-style: chr22-50462670-C-T. GRCh37 (hg19) VCF-style: chr22-50901099-C-T.
Other names: c.2019G>A, p.Glu673= (NM_001365819.1, NM_001410794.1); c.2016G>A, p.Glu672= (NM_001410795.1, NM_197971.1).
Identifiers: ClinVar variation 3035837 (VCV003035837.2), dbSNP rs766783417, ClinGen allele CA10317393.